The following is an entry in ClinVar:

ClinVar aggregate classification (germline): Pathogenic (1 of 4 stars; one submission).

Conditions:
Ehlers-Danlos syndrome, classic type, 1 (EDSCL1). Also called: EHLERS-DANLOS SYNDROME, GRAVIS TYPE; EHLERS-DANLOS SYNDROME, SEVERE CLASSIC TYPE; Ehlers-Danlos syndrome, type 1; Ehlers-Danlos Syndrome, Classic Type, COL5A1-Related; EDS I. Identifiers: MedGen C0268335, MONDO:0019567, OMIM 130000.

Submission:

Labcorp Genetics (formerly Invitae), Labcorp
Classification: Pathogenic for Ehlers-Danlos syndrome, classic type, 1. Last evaluated: 2022-11-10. Review status: criteria provided, single submitter. Criteria: Invitae Variant Classification Sherloc (09022015). Collection method: clinical testing. Allele origin: germline.
Comment: This sequence change creates a premature translational stop signal (p.Pro680Hisfs*124) in the COL5A1 gene. It is expected to result in an absent or disrupted protein product. Loss-of-function variants in COL5A1 are known to be pathogenic (PMID: 23587214). This variant is not present in population databases (gnomAD no frequency). This variant has not been reported in the literature in individuals affected with COL5A1-related conditions. For these reasons, this variant has been classified as Pathogenic.

Literature cited by the submitters: PubMed 23587214.

NC_000009.12:g.134765683del

Gene: COL5A1 (collagen type V alpha 1 chain; plus strand). Cytogenetic location: 9q34.3.
Variant type: Deletion.
Genome position: GRCh38 VCF-style: chr9-134765679-AG-A. GRCh37 (hg19) VCF-style: chr9-137657525-AG-A.
Identifiers: ClinVar variation 2813274 (VCV002813274.3), dbSNP rs2490659920, ClinGen allele CA2579506015.